The following is an entry in ClinVar:

NM_014270.5(SLC7A9):c.1445C>T (p.Pro482Leu)

Gene: SLC7A9 (solute carrier family 7 member 9; minus strand). Cytogenetic location: 19q13.11.
Variant type: single nucleotide variant.
Coding change: c.1445C>T on transcript NM_014270.5 (MANE Select); coding-DNA position 1445, C replaced by T.
Protein change: p.Pro482Leu; replaces proline 482 with leucine.
Molecular consequence: missense variant.
Genome position (GRCh38, 1-based): chr19:32,830,639, G>A on the plus strand (C>T on the coding strand, the complement: SLC7A9 is on the minus strand). VCF-style: chr19-32830639-G-A. GRCh37 (hg19) VCF-style: chr19-33321545-G-A.
Other names: c.1445C>T (NM_014270.4); c.1445C>T, p.Pro482Leu (NM_001126335.2, NM_001243036.2); short protein forms P482L.
Identifiers: ClinVar variation 2060879 (VCV002060879.10), dbSNP rs146815072, ClinGen allele CA9358388.
Genomic context (GRCh38, chr19:32,830,639, plus strand): 5'-AAAATAAATTCAGCTGACTTGGCTACAAGAGACGGAGCTTGTTACTCAGGGTCTTCCTCC[G>A]GTGGGACCACTTCCATTAGCATCTGAAGGTGCATGGTAATCGGCTCTGAAATAAGAGTCA-3'
Protein context (NP_055085.1, residues 472-487): HLQMLMEVVP[Pro482Leu]EEDPE

ClinVar aggregate classification (germline): Pathogenic. Review status: criteria provided, multiple submitters, no conflicts (2 of 4 stars). 6 submissions from 6 submitters: Pathogenic (6). Last evaluated 2026-06-11.

Conditions:
SLC7A9-related disorder. Also called: SLC7A9-related condition.
Cystinuria (CSNU). Also called: CYSTINURIA, TYPE I; CYSTINURIA, TYPE II; CYSTINURIA, TYPE III; Cystinuria, non-type I. Identifiers: Orphanet 214, MedGen C0010691, MONDO:0009067, OMIM 220100, HP:0003131.

Allele frequency attached by ClinVar (database versions not stated): ExAC 0.00003; TOPMed 0.00003; ESP Exome Variant Server 0.00008; 1000 Genomes Project 30x 0.00016; 1000 Genomes Project 0.00020.
gnomAD v4.1: 145 of 1,613,792 alleles (0.009%); highest among the groups gnomAD compares: East Asian, 0.23%; no homozygotes.

Submissions (6):

PreventionGenetics, part of Exact Sciences
Classification: Pathogenic for SLC7A9-related condition. Last evaluated: 2026-06-11. Review status: criteria provided, single submitter. Criteria: ACMG Guidelines, 2015. Collection method: clinical testing. Allele origin: germline.
Comment: The SLC7A9 c.1445C>T variant is predicted to result in the amino acid substitution p.Pro482Leu. This variant has been reported in the homozygous or compound heterozygous state and shown to co-segregate with disease in many individuals and families, predominantly of Japanese ancestry, with autosomal recessive cystinuria (Shigeta et al. 2006. PubMed ID: 16609684; Lotan et al. 2007. PubMed ID: 17710781; Kim et al. 2017. PubMed ID: 28049243; Sakamoto et al. 2025. PubMed ID: 41006421). This variant has also been reported in the heterozygous state in multiple individuals with autosomal dominant cystinuria, although these individuals are typically asymptomatic or only mildly affected (Shigeta et al. 2006. PubMed ID: 16609684; Okada et al. 2021. PubMed ID: 33194555; Ikeyama et al. 2022. PubMed ID: 34669168). In vitro experimental studies demonstrated that this variant does not affect protein expression or proper cell membrane localization; however, it does result in a near-total loss of cysteine transport activity (Shigeta et al. 2006. PubMed ID: 16609684). This variant is reported in 0.0065% of alleles in individuals of South Asian descent in gnomAD. This variant is interpreted as pathogenic.

3billion
Classification: Pathogenic for Cystinuria. Last evaluated: 2026-01-07. Review status: criteria provided, single submitter. Criteria: ACMG Guidelines, 2015. Collection method: clinical testing. Allele origin: germline. Affected: yes.
Comment: The variant is observed at an extremely low frequency in the gnomAD v4.1.0 dataset (total allele frequency: 0.009%). Predicted Consequence/Location: Missense variant Functional studies provide strong evidence of the variant having a damaging effect on the gene or gene product (PMID: 16609684). In silico tool predictions suggest damaging effect of the variant on gene or gene product [REVEL: 0.63 (>=0.6, sensitivity 0.68 and specificity 0.92)]. The same nucleotide change resulting in the same amino acid change has been previously reported as pathogenic/likely pathogenic with strong evidence (ClinVar ID: VCV002060879 /PMID: 16609684 /3billion dataset). The variant has been reported to be in trans with a pathogenic variant as either compound heterozygous or homozygous in at least 2 similarly affected unrelated individuals (PMID: 16609684). Therefore, this variant is classified as Pathogenic according to the recommendation of ACMG/AMP guideline.

Labcorp Genetics (formerly Invitae), Labcorp
Classification: Pathogenic. Last evaluated: 2025-05-19. Review status: criteria provided, single submitter. Criteria: Invitae Variant Classification Sherloc (09022015). Collection method: clinical testing. Allele origin: germline.
Comment: This sequence change replaces proline, which is neutral and non-polar, with leucine, which is neutral and non-polar, at codon 482 of the SLC7A9 protein (p.Pro482Leu). This variant is present in population databases (rs146815072, gnomAD 0.007%). This missense change has been observed in individual(s) with cystinuria (PMID: 16609684, 26929440). It has also been observed to segregate with disease in related individuals. This variant is also known as c.1533C>T and c.1553C>T. ClinVar contains an entry for this variant (Variation ID: 2060879). An algorithm developed to predict the effect of missense changes on protein structure and function (PolyPhen-2) suggests that this variant is likely to be tolerated. Experimental studies have shown that this missense change affects SLC7A9 function (PMID: 16609684). For these reasons, this variant has been classified as Pathogenic.

Dasa
Classification: Pathogenic. Last evaluated: 2024-11-22. Review status: criteria provided, single submitter. Criteria: DASA Assertion Criteria. Collection method: clinical testing. Allele origin: germline.
Comment: NM_014270.5(SLC7A9):c.1445C>T (p.Pro482Leu) is a missense variant that results in the substitution of proline with leucine. Segregation evidence has been reported in affected families. This variant has been recurrently observed in affected individuals with related phenotype in a genotype context consistent with recessive disease (PMID: 26929440; PMID: 16609684; PMID: 34669168; PMID: 17710781). Functional evidence supports a deleterious effect on the gene or gene product (PMID: 26929440; PMID: 16609684; PMID: 34669168; PMID: 17710781). The variant is present at low frequency in population datasets. Based on the available data, this variant is classified as pathogenic.

Revvity Omics, Revvity
Classification: Pathogenic for Cystinuria. Last evaluated: 2024-05-16. Review status: criteria provided, single submitter. Criteria: ACMG Guidelines, 2015. Collection method: clinical testing. Allele origin: germline.

Fulgent Genetics
Classification: Pathogenic for Cystinuria. Last evaluated: 2024-03-04. Review status: criteria provided, single submitter. Criteria: ACMG Guidelines, 2015. Collection method: clinical testing. Allele origin: germline.

Literature cited by the submitters: PubMed 16609684 (cited by 3 submitters); PubMed 26929440 (cited by Labcorp Genetics (formerly Invitae), Labcorp and Dasa); PubMed 34669168 (cited by Dasa); PubMed 17710781 (cited by Dasa).